The following is an entry in ClinVar:

NM_002519.3(NPAT):c.1522C>T (p.Pro508Ser)

Gene: NPAT (nuclear protein, coactivator of histone transcription; minus strand). Cytogenetic location: 11q22.3.
Variant type: single nucleotide variant.
Coding change: c.1522C>T on transcript NM_002519.3 (MANE Select); coding-DNA position 1522, C replaced by T.
Protein change: p.Pro508Ser; replaces proline 508 with serine.
Molecular consequence: missense variant.
Genome position (GRCh38, 1-based): chr11:108,173,462, G>A on the plus strand (C>T on the coding strand, the complement: NPAT is on the minus strand). VCF-style: chr11-108173462-G-A. GRCh37 (hg19) VCF-style: chr11-108044189-G-A.
Other names: c.1522C>T, p.Pro508Ser (NM_001321307.1); short protein forms P508S.
Identifiers: ClinVar variation 1774459 (VCV001774459.2), dbSNP rs750186277, ClinGen allele CA382514951.

ClinVar aggregate classification (germline): Uncertain significance (1 of 4 stars; one submission).

Submission:

Ambry Genetics
Classification: Uncertain significance. Last evaluated: 2022-10-24. Review status: criteria provided, single submitter. Criteria: Ambry Variant Classification Scheme 2023. Collection method: clinical testing. Allele origin: germline.
Comment: The p.P508S variant (also known as c.1522C>T), located in coding exon 13 of the NPAT gene, results from a C to T substitution at nucleotide position 1522. The proline at codon 508 is replaced by serine, an amino acid with similar properties. This amino acid position is conserved. In addition, the in silico prediction for this alteration is inconclusive. Since supporting evidence is limited at this time, the clinical significance of this alteration remains unclear.